The following is an entry in ClinVar:

NM_000081.4(LYST):c.7541C>T (p.Ser2514Phe)

Gene: LYST (lysosomal trafficking regulator; minus strand). Cytogenetic location: 1q42.3.
Variant type: single nucleotide variant.
Coding change: c.7541C>T on transcript NM_000081.4 (MANE Select); coding-DNA position 7541, C replaced by T.
Protein change: p.Ser2514Phe; replaces serine 2514 with phenylalanine.
Molecular consequence: missense variant.
Genome position (GRCh38, 1-based): chr1:235,752,091, G>A on the plus strand (C>T on the coding strand, the complement: LYST is on the minus strand). VCF-style: chr1-235752091-G-A. GRCh37 (hg19) VCF-style: chr1-235915391-G-A.
Other names: c.7541C>T, p.Ser2514Phe (NM_001301365.1); short protein forms S2514F.
Identifiers: ClinVar variation 1976370 (VCV001976370.5), dbSNP rs752173793, ClinGen allele CA1466115.

ClinVar aggregate classification (germline): Uncertain significance (1 of 4 stars; one submission).

Conditions:
Chédiak-Higashi syndrome (CHS). Also called: Chediak-Higashi Syndrome. Identifiers: Orphanet 167, MedGen C0007965, MONDO:0008963, OMIM 214500.

Allele frequency attached by ClinVar (database versions not stated): ExAC 0.00001.

Submission:

Labcorp Genetics (formerly Invitae), Labcorp
Classification: Uncertain significance for Chédiak-Higashi syndrome. Last evaluated: 2022-08-16. Review status: criteria provided, single submitter. Criteria: Invitae Variant Classification Sherloc (09022015). Collection method: clinical testing. Allele origin: germline.
Comment: This sequence change replaces serine, which is neutral and polar, with phenylalanine, which is neutral and non-polar, at codon 2514 of the LYST protein (p.Ser2514Phe). Algorithms developed to predict the effect of missense changes on protein structure and function are either unavailable or do not agree on the potential impact of this missense change (SIFT: "Deleterious"; PolyPhen-2: "Probably Damaging"; Align-GVGD: "Class C15"). In summary, the available evidence is currently insufficient to determine the role of this variant in disease. Therefore, it has been classified as a Variant of Uncertain Significance. This variant has not been reported in the literature in individuals affected with LYST-related conditions. This variant is present in population databases (rs752173793, gnomAD 0.0009%).